The following is an entry in ClinVar:

NM_183357.3(ADCY5):c.2866G>A (p.Asp956Asn)

Gene: ADCY5 (adenylate cyclase 5; minus strand). Cytogenetic location: 3q21.1.
Variant type: single nucleotide variant.
Coding change: c.2866G>A on transcript NM_183357.3 (MANE Select); coding-DNA position 2866, G replaced by A.
Protein change: p.Asp956Asn; replaces aspartic acid 956 with asparagine.
Molecular consequence: missense variant.
Genome position (GRCh38, 1-based): chr3:123,300,154, C>T on the plus strand (G>A on the coding strand, the complement: ADCY5 is on the minus strand). VCF-style: chr3-123300154-C-T. GRCh37 (hg19) VCF-style: chr3-123019001-C-T.
Other names: c.1816G>A, p.Asp606Asn (NM_001199642.1); c.2866G>A, p.Asp956Asn (NM_001378259.1); short protein forms D606N, D956N.
Identifiers: ClinVar variation 706217 (VCV000706217.17), dbSNP rs200892634, ClinGen allele CA2576970.

ClinVar aggregate classification (germline): Conflicting classifications of pathogenicity. Review status: criteria provided, conflicting classifications (1 of 4 stars). 4 submissions from 4 submitters: Uncertain significance (2); Likely benign (1). 1 of the submissions does not count toward it. Last evaluated 2026-01-24.

Conditions:
ADCY5-related disorder. Also called: ADCY5-related condition.
Dyskinesia with orofacial involvement, autosomal dominant (DSKOD). Also called: Familial dyskinesia and facial myokymia; Familial Dyskinesia with Facial Myokymia (FDFM); Dyskinesia, familial, with facial myokymia. Identifiers: Orphanet 324588, MedGen C1847627, MONDO:0800028, OMIM 606703.

Allele frequency attached by ClinVar (database versions not stated): ESP Exome Variant Server 0.00023; gnomAD exomes 0.00036 and 0.00058; 1000 Genomes Project 0.00040; 1000 Genomes Project 30x 0.00047; ExAC 0.00047; gnomAD 0.00048 and 0.00050; TOPMed 0.00066.
gnomAD v4.1: 639 of 1,613,888 alleles (0.04%); highest among the groups gnomAD compares: Middle Eastern, 0.21%; 1 homozygote.

Submissions (4):

Labcorp Genetics (formerly Invitae), Labcorp
Classification: Likely benign. Last evaluated: 2026-01-24. Review status: criteria provided, single submitter. Criteria: Invitae Variant Classification Sherloc (09022015). Collection method: clinical testing. Allele origin: germline.

GeneDx
Classification: Uncertain significance. Last evaluated: 2025-04-29. Review status: criteria provided, single submitter. Criteria: GeneDx Variant Classification Process June 2021. Collection method: clinical testing. Allele origin: germline. Affected: yes.
Comment: In silico analysis supports that this missense variant has a deleterious effect on protein structure/function; Has not been previously published as pathogenic or benign to our knowledge

Baylor Genetics
Classification: Uncertain significance for Dyskinesia with orofacial involvement, autosomal dominant. Last evaluated: 2023-09-27. Review status: criteria provided, single submitter. Criteria: ACMG Guidelines, 2015. Collection method: clinical testing. Allele origin: unknown.

PreventionGenetics, part of Exact Sciences
Classification: Likely benign for ADCY5-related condition. Last evaluated: 2019-06-13. Review status: no assertion criteria provided. Collection method: clinical testing. Allele origin: germline. Not counted in ClinVar's aggregate classification.
Comment: This variant is classified as likely benign based on ACMG/AMP sequence variant interpretation guidelines (Richards et al. 2015 PMID: 25741868, with internal and published modifications).